The following is an entry in ClinVar:

ClinVar aggregate classification (germline): Uncertain significance (1 of 4 stars; one submission).

Conditions:
Hereditary breast ovarian cancer syndrome. Also called: Hereditary breast and ovarian cancer syndrome; Hereditary breast and ovarian cancer syndrome (HBOC); BRCA1- and BRCA2-Associated Hereditary Breast and Ovarian Cancer; Hereditary breast and ovarian cancer; Breast and ovarian cancer; Hereditary breast and/or ovarian cancer syndrome. Identifiers: Orphanet 145, MedGen C0677776, MeSH D061325, MONDO:0003582. Disease mechanism: loss of function.

Submission:

Labcorp Genetics (formerly Invitae), Labcorp
Classification: Uncertain significance for Hereditary breast ovarian cancer syndrome. Last evaluated: 2024-09-27. Review status: criteria provided, single submitter. Criteria: Invitae Variant Classification Sherloc (09022015). Collection method: clinical testing. Allele origin: germline.
Comment: This sequence change replaces proline, which is neutral and non-polar, with threonine, which is neutral and polar, at codon 1099 of the BRCA1 protein (p.Pro1099Thr). This variant is not present in population databases (gnomAD no frequency). This variant has not been reported in the literature in individuals affected with BRCA1-related conditions. Invitae Evidence Modeling of protein sequence and biophysical properties (such as structural, functional, and spatial information, amino acid conservation, physicochemical variation, residue mobility, and thermodynamic stability) indicates that this missense variant is not expected to disrupt BRCA1 protein function with a negative predictive value of 95%. In summary, the available evidence is currently insufficient to determine the role of this variant in disease. Therefore, it has been classified as a Variant of Uncertain Significance.

NM_007294.4(BRCA1):c.3295C>A (p.Pro1099Thr)

Genes: BRCA1 (BRCA1 DNA repair associated; minus strand), LOC126862571 (BRD4-independent group 4 enhancer GRCh37_chr17:41243136-41244335; plus strand). Cytogenetic location: 17q21.31.
Variant type: single nucleotide variant.
Coding change: c.3295C>A on transcript NM_007294.4 (MANE Select); coding-DNA position 3295, C replaced by A.
Protein change: p.Pro1099Thr; replaces proline 1099 with threonine.
Molecular consequence: missense variant. On other transcripts: intron variant (137).
Genome position (GRCh38, 1-based): chr17:43,092,236, G>T on the plus strand (C>A on the coding strand, the complement: BRCA1 is on the minus strand). VCF-style: chr17-43092236-G-T. GRCh37 (hg19) VCF-style: chr17-41244253-G-T.
Other names: c.2407C>A, p.Pro803Thr (NM_001407967.1, NM_001407966.1); c.3154C>A, p.Pro1052Thr (NM_007297.4, NM_001407692.1, NM_001407694.1 and 29 more transcripts); c.3295C>A, p.Pro1099Thr (NM_007300.4, NM_001407581.1, NM_001407582.1 and 30 more transcripts); c.647-1204C>A (NM_001408458.1, NM_001408469.1, NM_001408453.1 and 11 more transcripts); c.284-1204C>A (NM_001408512.1); c.407-1204C>A (NM_001408510.1); c.644-1204C>A (NM_001408470.1, NM_001408464.1, NM_001408468.1 and 3 more transcripts); c.785-1204C>A (NM_001408397.1, NM_001408401.1, NM_001408396.1 and 13 more transcripts); and 41 more; short protein forms P1010T, P1011T, P1051T, P1058T, P1073T, P972T, P1028T, P1032T.
Identifiers: ClinVar variation 3634653 (VCV003634653.2).